The following is an entry in ClinVar:

NM_005475.3(SH2B3):c.1469C>G (p.Pro490Arg)

Gene: SH2B3 (SH2B adaptor protein 3; plus strand). Cytogenetic location: 12q24.12.
Variant type: single nucleotide variant.
Coding change: c.1469C>G on transcript NM_005475.3 (MANE Select); coding-DNA position 1469, C replaced by G.
Protein change: p.Pro490Arg; replaces proline 490 with arginine.
Molecular consequence: missense variant.
Genome position (GRCh38, 1-based): chr12:111,448,043, C>G. VCF-style: chr12-111448043-C-G. GRCh37 (hg19) VCF-style: chr12-111885847-C-G.
Other names: c.863C>G, p.Pro288Arg (NM_001291424.1); short protein forms P490R, P288R.
Identifiers: ClinVar variation 4630763 (VCV004630763.1).
Genomic context (GRCh38, chr12:111,448,043, plus strand): 5'-GTTCCTGCAACACGGTCCTCTTCCCTTTCTCCCTTCCTCACTGGGATTCAGAGTCCCTTC[C>G]TCACTGGGGTTCAGAGTTGGGCCTTCCCCACCTTAGTTCTTCTGGCTGTCCCCGGGGGCT-3'
Protein context (NP_005466.1, residues 480-500): SLPHWDSESL[Pro490Arg]HWGSELGLPH

ClinVar aggregate classification (germline): Uncertain significance (1 of 4 stars; one submission).

Conditions:
Inborn genetic diseases. Identifiers: MedGen C0950123, MeSH D030342.

Submission:

Ambry Genetics
Classification: Uncertain significance for Inborn genetic diseases. Last evaluated: 2025-11-24. Review status: criteria provided, single submitter. Criteria: Ambry Variant Classification Scheme 2023. Collection method: clinical testing. Allele origin: germline.
Comment: The p.P490R variant (also known as c.1469C>G), located in coding exon 7 of the SH2B3 gene, results from a C to G substitution at nucleotide position 1469. The proline at codon 490 is replaced by arginine, an amino acid with dissimilar properties. This amino acid position is conserved. In addition, this alteration is predicted to be tolerated by in silico analysis. Based on the available evidence, the clinical significance of this variant remains unclear.